The following is an entry in ClinVar:

ClinVar aggregate classification (germline): Uncertain significance (1 of 4 stars; one submission).

Conditions:
Nemaline myopathy 2 (NEM2). Also called: Nemaline myopathy 2, autosomal recessive. Identifiers: MedGen C1850569, MONDO:0009725, OMIM 256030.

Allele frequency attached by ClinVar (database versions not stated): gnomAD exomes below 0.00001.
gnomAD v4.1: 4 of 1,614,012 alleles (0.00025%); highest among the groups gnomAD compares: Non-Finnish European, 0.00025%; no homozygotes.

Submission:

Labcorp Genetics (formerly Invitae), Labcorp
Classification: Uncertain significance for Nemaline myopathy 2. Last evaluated: 2022-03-13. Review status: criteria provided, single submitter. Criteria: Invitae Variant Classification Sherloc (09022015). Collection method: clinical testing. Allele origin: germline.
Comment: This sequence change replaces isoleucine, which is neutral and non-polar, with methionine, which is neutral and non-polar, at codon 3674 of the NEB protein (p.Ile3674Met). This variant is not present in population databases (gnomAD no frequency). This variant has not been reported in the literature in individuals affected with NEB-related conditions. Algorithms developed to predict the effect of missense changes on protein structure and function are either unavailable or do not agree on the potential impact of this missense change (SIFT: "Deleterious"; PolyPhen-2: "Not Available"; Align-GVGD: "Class C0"). In summary, the available evidence is currently insufficient to determine the role of this variant in disease. Therefore, it has been classified as a Variant of Uncertain Significance.

NM_001164508.2(NEB):c.11022A>G (p.Ile3674Met)

Gene: NEB (nebulin; minus strand). Cytogenetic location: 2q23.3.
Variant type: single nucleotide variant.
Coding change: c.11022A>G on transcript NM_001164508.2 (MANE Select); coding-DNA position 11022, A replaced by G.
Protein change: p.Ile3674Met; replaces isoleucine 3674 with methionine.
Molecular consequence: missense variant.
Genome position (GRCh38, 1-based): chr2:151,618,329, T>C on the plus strand (A>G on the coding strand, the complement: NEB is on the minus strand). VCF-style: chr2-151618329-T-C. GRCh37 (hg19) VCF-style: chr2-152474843-T-C.
Other names: c.11022A>G, p.Ile3674Met (NM_001164507.2, NM_001271208.2); c.10293A>G, p.Ile3431Met (NM_004543.5); short protein forms I3674M, I3431M.
Identifiers: ClinVar variation 1929307 (VCV001929307.2), dbSNP rs2098273499, ClinGen allele CA348785904.